The following is an entry in ClinVar:

ClinVar aggregate classification (germline): Likely benign (1 of 4 stars; one submission).

Allele frequency attached by ClinVar (database versions not stated): gnomAD exomes below 0.00001.
gnomAD v4.1: 1 of 1,463,596 alleles (0.000068%); highest among the groups gnomAD compares: Non-Finnish European, 0.000095%; no homozygotes.

Submission:

CeGaT Center for Human Genetics Tuebingen
Classification: Likely benign. Last evaluated: 2024-02-01. Review status: criteria provided, single submitter. Criteria: CeGaT Center For Human Genetics Tuebingen Variant Classification Criteria Version 2. Collection method: clinical testing. Allele origin: germline. Affected: yes. Observed: 1 variant allele.
Comment: CPA6: PM2:Supporting, BP4, BP7

NM_020361.5(CPA6):c.126G>A (p.Val42=)

Gene: CPA6 (carboxypeptidase A6; minus strand). Cytogenetic location: 8q13.2.
Variant type: single nucleotide variant.
Coding change: c.126G>A on transcript NM_020361.5 (MANE Select); coding-DNA position 126, G replaced by A.
Protein change: p.Val42=; no amino-acid change (valine 42 retained).
Molecular consequence: synonymous variant.
Genome position (GRCh38, 1-based): chr8:67,624,242, C>T on the plus strand (G>A on the coding strand, the complement: CPA6 is on the minus strand). VCF-style: chr8-67624242-C-T. GRCh37 (hg19) VCF-style: chr8-68536477-C-T.
Identifiers: ClinVar variation 3027230 (VCV003027230.22), dbSNP rs2536807819, ClinGen allele CA461348461.